The following is an entry in ClinVar:

NM_022835.3(PLEKHG2):c.1399+8C>T

Gene: PLEKHG2 (pleckstrin homology and RhoGEF domain containing G2; plus strand). Cytogenetic location: 19q13.2.
Variant type: single nucleotide variant.
Coding change: c.1399+8C>T on transcript NM_022835.3 (MANE Select); 8 bases into the intron after coding-DNA position 1399, C replaced by T.
Molecular consequence: intron variant.
Genome position (GRCh38, 1-based): chr19:39,420,860, C>T. VCF-style: chr19-39420860-C-T. GRCh37 (hg19) VCF-style: chr19-39911500-C-T.
Other names: c.1222+8C>T (NM_001351693.2); c.1399+8C>T (NM_001351694.2).
Identifiers: ClinVar variation 1513635 (VCV001513635.6), dbSNP rs781478471, ClinGen allele CA9429479.

ClinVar aggregate classification (germline): Uncertain significance (1 of 4 stars; one submission).

Allele frequency attached by ClinVar (database versions not stated): ExAC 0.00002; gnomAD exomes 0.00006; gnomAD 0.00009 and 0.00010.
gnomAD v4.1: 62 of 1,613,996 alleles (0.0038%); highest among the groups gnomAD compares: Admixed American, 0.033%; no homozygotes.

Submission:

Labcorp Genetics (formerly Invitae), Labcorp
Classification: Uncertain significance. Last evaluated: 2023-10-03. Review status: criteria provided, single submitter. Criteria: Invitae Variant Classification Sherloc (09022015). Collection method: clinical testing. Allele origin: germline.
Comment: This sequence change falls in intron 13 of the PLEKHG2 gene. It does not directly change the encoded amino acid sequence of the PLEKHG2 protein. This variant is present in population databases (rs781478471, gnomAD 0.02%). This variant has not been reported in the literature in individuals affected with PLEKHG2-related conditions. ClinVar contains an entry for this variant (Variation ID: 1513635). Algorithms developed to predict the effect of sequence changes on RNA splicing suggest that this variant may create or strengthen a splice site. In summary, the available evidence is currently insufficient to determine the role of this variant in disease. Therefore, it has been classified as a Variant of Uncertain Significance.